The following is an entry in ClinVar:

ClinVar aggregate classification (germline): Likely pathogenic (1 of 4 stars; one submission).

Allele frequency attached by ClinVar (database versions not stated): gnomAD exomes below 0.00001.
gnomAD v4.1: 1 of 1,485,128 alleles (0.000067%); highest among the groups gnomAD compares: Non-Finnish European, 0.000094%; no homozygotes.

Submission:

Labcorp Genetics (formerly Invitae), Labcorp
Classification: Likely pathogenic. Last evaluated: 2022-07-22. Review status: criteria provided, single submitter. Criteria: Invitae Variant Classification Sherloc (09022015). Collection method: clinical testing. Allele origin: germline.
Comment: This sequence change affects a donor splice site in intron 7 of the EYS gene. It is expected to disrupt RNA splicing. Variants that disrupt the donor or acceptor splice site typically lead to a loss of protein function (PMID: 16199547), and loss-of-function variants in EYS are known to be pathogenic (PMID: 18836446, 20333770). This variant is present in population databases (no rsID available, gnomAD 0.0009%). Disruption of this splice site has been observed in individual(s) with retinitis pigmentosa (PMID: 30153090). Algorithms developed to predict the effect of sequence changes on RNA splicing suggest that this variant may disrupt the consensus splice site. In summary, the currently available evidence indicates that the variant is pathogenic, but additional data are needed to prove that conclusively. Therefore, this variant has been classified as Likely Pathogenic.

Literature cited by the submitters: PubMed 16199547; PubMed 18836446; PubMed 20333770; PubMed 30153090.

NM_001142800.2(EYS):c.1184+2T>C

Gene: EYS (EGF-like photoreceptor maintenance factor; minus strand). Cytogenetic location: 6q12.
Variant type: single nucleotide variant.
Coding change: c.1184+2T>C on transcript NM_001142800.2 (MANE Select); the canonical splice donor site of the intron after coding-DNA position 1184, T replaced by C.
Molecular consequence: splice donor variant.
Genome position (GRCh38, 1-based): chr6:65,402,476, A>G on the plus strand (T>C on the coding strand, the complement: EYS is on the minus strand). VCF-style: chr6-65402476-A-G. GRCh37 (hg19) VCF-style: chr6-66112369-A-G.
Other names: c.1184+2T>C (NM_001292009.2, NM_001142801.2, NM_198283.2).
Identifiers: ClinVar variation 2018915 (VCV002018915.4), dbSNP rs1301470194, ClinGen allele CA364662240.